The following is an entry in ClinVar:

NM_001165963.4(SCN1A):c.818T>C (p.Leu273Pro)

Gene: SCN1A (sodium voltage-gated channel alpha subunit 1; minus strand). Cytogenetic location: 2q24.3.
Variant type: single nucleotide variant.
Coding change: c.818T>C on transcript NM_001165963.4 (MANE Select); coding-DNA position 818, T replaced by C.
Protein change: p.Leu273Pro; replaces leucine 273 with proline.
Molecular consequence: missense variant. On other transcripts: 5 prime UTR variant (1), non-coding transcript variant (1).
Genome position (GRCh38, 1-based): chr2:166,051,865, A>G on the plus strand (T>C on the coding strand, the complement: SCN1A is on the minus strand). VCF-style: chr2-166051865-A-G. GRCh37 (hg19) VCF-style: chr2-166908375-A-G.
Other names: c.818T>C, p.Leu273Pro (NM_001165964.3, NM_001202435.3, NM_001353948.2 and 10 more transcripts); c.-1608T>C (NM_001353961.2); short protein forms L273P.
Identifiers: ClinVar variation 427002 (VCV000427002.2), dbSNP rs1085307892, ClinGen allele CA349073179.

ClinVar aggregate classification (germline): Likely pathogenic (1 of 4 stars; one submission).

Submission:

GeneDx
Classification: Likely pathogenic. Last evaluated: 2016-07-01. Review status: criteria provided, single submitter. Criteria: GeneDx Variant Classification (06012015). Collection method: clinical testing. Allele origin: germline. Affected: yes.
Comment: The L273P variant has not been published as a pathogenic variant, nor has it been reported as a benign polymorphism to our knowledge. It was not observed in approximately 6,500 individuals of European and African American ancestry in the NHLBI Exome Sequencing Project, indicating it is not a common benign variant in these populations. The L273P variant is a semi-conservative amino acid substitution, which may impact secondary protein structure as these residues differ in some properties. This substitution alters a highly conserved position predicted to be within transmembrane segment S5 in the first homologous domain of the SCN1A protein. Missense variants in nearby residues (L263V, G265W) have been reported in association with SCN1A-related disorders (SCN1A Variant Database; Stenson et al., 2014). In silico analysis predicts this variant is probably damaging to the protein structure/function. Therefore, this variant is a strong candidate for a pathogenic variant, however the possibility that it is a benign variant cannot be excluded.